The following is an entry in ClinVar:

ClinVar aggregate classification (germline): Uncertain significance (1 of 4 stars; one submission).

Allele frequency attached by ClinVar (database versions not stated): ExAC 0.00001; gnomAD 0.00001; TOPMed 0.00001; gnomAD exomes below 0.00001.
gnomAD v4.1: 3 of 1,613,938 alleles (0.00019%); highest among the groups gnomAD compares: African/African-American, 0.0027%; no homozygotes.

Submission:

Labcorp Genetics (formerly Invitae), Labcorp
Classification: Uncertain significance. Last evaluated: 2025-10-18. Review status: criteria provided, single submitter. Criteria: Invitae Variant Classification Sherloc (09022015). Collection method: clinical testing. Allele origin: germline.
Comment: This sequence change replaces methionine, which is neutral and non-polar, with valine, which is neutral and non-polar, at codon 52 of the HMCN1 protein (p.Met52Val). This variant is present in population databases (rs778944028, gnomAD 0.007%). This variant has not been reported in the literature in individuals affected with HMCN1-related conditions. ClinVar contains an entry for this variant (Variation ID: 1494555). An algorithm developed to predict the effect of missense changes on protein structure and function (PolyPhen-2) suggests that this variant is likely to be disruptive. In summary, the available evidence is currently insufficient to determine the role of this variant in disease. Therefore, it has been classified as a Variant of Uncertain Significance.

NM_031935.3(HMCN1):c.154A>G (p.Met52Val)

Gene: HMCN1 (hemicentin 1; plus strand). Cytogenetic location: 1q25.3.
Variant type: single nucleotide variant.
Coding change: c.154A>G on transcript NM_031935.3 (MANE Select); coding-DNA position 154, A replaced by G.
Protein change: p.Met52Val; replaces methionine 52 with valine.
Molecular consequence: missense variant.
Genome position (GRCh38, 1-based): chr1:185,734,933, A>G. VCF-style: chr1-185734933-A-G. GRCh37 (hg19) VCF-style: chr1-185704065-A-G.
Other names: short protein forms M52V.
Identifiers: ClinVar variation 1494555 (VCV001494555.6), dbSNP rs778944028, ClinGen allele CA1290753.
Genomic context (GRCh38, chr1:185,734,933, plus strand): 5'-GCTGAGGAAATTCCCGAGGGGGCCTCCACGTTGGCTTTTGTGTTTGATGTGACTGGTTCT[A>G]TGTATGATGATTTAGTTCAGGTGATTGAAGGGGCTTCCAAAATTTTGGAGACGTCTTTGA-3'
Protein context (NP_114141.2, residues 42-62): LAFVFDVTGS[Met52Val]YDDLVQVIEG